The following is an entry in ClinVar:

ClinVar aggregate classification (germline): Uncertain significance (1 of 4 stars; one submission).

gnomAD v4.1: 1 of 1,613,678 alleles (0.000062%); highest among the groups gnomAD compares: South Asian, 0.0011%; no homozygotes.

Submission:

GeneDx
Classification: Uncertain significance. Last evaluated: 2024-04-14. Review status: criteria provided, single submitter. Criteria: GeneDx Variant Classification Process June 2021. Collection method: clinical testing. Allele origin: germline. Affected: yes.
Comment: Not observed at significant frequency in large population cohorts (gnomAD); In silico analysis supports that this missense variant has a deleterious effect on protein structure/function; Has not been previously published as pathogenic or benign to our knowledge

NM_001134673.4(NFIA):c.617C>T (p.Pro206Leu)

Gene: NFIA (nuclear factor I A; plus strand). Cytogenetic location: 1p31.3.
Variant type: single nucleotide variant.
Coding change: c.617C>T on transcript NM_001134673.4 (MANE Select); coding-DNA position 617, C replaced by T.
Protein change: p.Pro206Leu; replaces proline 206 with leucine.
Molecular consequence: missense variant.
Genome position (GRCh38, 1-based): chr1:61,277,577, C>T. VCF-style: chr1-61277577-C-T. GRCh37 (hg19) VCF-style: chr1-61743249-C-T.
Other names: c.593C>T, p.Pro198Leu (NM_001145511.2); c.752C>T, p.Pro251Leu (NM_001145512.2); c.617C>T, p.Pro206Leu (NM_005595.5); short protein forms P198L, P206L, P251L.
Identifiers: ClinVar variation 3372345 (VCV003372345.1).